The following is an entry in ClinVar:

NM_138927.4(SON):c.6700C>G (p.Gln2234Glu)

Gene: SON (SON DNA and RNA binding protein; plus strand). Cytogenetic location: 21q22.11.
Variant type: single nucleotide variant.
Coding change: c.6700C>G on transcript NM_138927.4 (MANE Select); coding-DNA position 6700, C replaced by G.
Protein change: p.Gln2234Glu; replaces glutamine 2234 with glutamic acid.
Molecular consequence: missense variant. On other transcripts: non-coding transcript variant (1).
Genome position (GRCh38, 1-based): chr21:33,567,199, C>G. VCF-style: chr21-33567199-C-G. GRCh37 (hg19) VCF-style: chr21-34939505-C-G.
Other names: c.784C>G, p.Gln262Glu (NM_001291412.3); short protein forms Q2234E, Q262E.
Identifiers: ClinVar variation 3390507 (VCV003390507.1).

ClinVar aggregate classification (germline): Uncertain significance (1 of 4 stars; one submission).

Submission:

GeneDx
Classification: Uncertain significance. Last evaluated: 2024-06-14. Review status: criteria provided, single submitter. Criteria: GeneDx Variant Classification Process June 2021. Collection method: clinical testing. Allele origin: germline. Affected: yes.
Comment: Not observed at significant frequency in large population cohorts (gnomAD); In silico analysis indicates that this missense variant does not alter protein structure/function; Has not been previously published as pathogenic or benign to our knowledge